The following is an entry in ClinVar:

NM_005228.5(EGFR):c.841C>T (p.Pro281Ser)

Gene: EGFR (epidermal growth factor receptor; plus strand). Cytogenetic location: 7p11.2.
Variant type: single nucleotide variant.
Coding change: c.841C>T on transcript NM_005228.5 (MANE Select); coding-DNA position 841, C replaced by T.
Protein change: p.Pro281Ser; replaces proline 281 with serine.
Molecular consequence: missense variant. On other transcripts: intron variant (1).
Genome position (GRCh38, 1-based): chr7:55,154,104, C>T. VCF-style: chr7-55154104-C-T. GRCh37 (hg19) VCF-style: chr7-55221797-C-T.
Other names: c.706C>T, p.Pro236Ser (NM_001346897.2, NM_001346899.2); c.841C>T, p.Pro281Ser (NM_001346898.2, NM_201282.2, NM_201283.2 and 1 more transcripts); c.682C>T, p.Pro228Ser (NM_001346900.2); c.89-1726C>T (NM_001346941.2); short protein forms P228S, P236S, P281S.
Identifiers: ClinVar variation 2725015 (VCV002725015.3), dbSNP rs2128935066, ClinGen allele CA367577794.

ClinVar aggregate classification (germline): Uncertain significance (1 of 4 stars; one submission).

Conditions:
EGFR-related lung cancer (EGFR). Identifiers: MedGen CN130014.

Submission:

Labcorp Genetics (formerly Invitae), Labcorp
Classification: Uncertain significance for EGFR-related lung cancer. Last evaluated: 2023-08-29. Review status: criteria provided, single submitter. Criteria: Invitae Variant Classification Sherloc (09022015). Collection method: clinical testing. Allele origin: germline.
Comment: In summary, the available evidence is currently insufficient to determine the role of this variant in disease. Therefore, it has been classified as a Variant of Uncertain Significance. Advanced modeling of protein sequence and biophysical properties (such as structural, functional, and spatial information, amino acid conservation, physicochemical variation, residue mobility, and thermodynamic stability) performed at Invitae indicates that this missense variant is not expected to disrupt EGFR protein function. This variant has not been reported in the literature in individuals affected with EGFR-related conditions. This variant is not present in population databases (gnomAD no frequency). This sequence change replaces proline, which is neutral and non-polar, with serine, which is neutral and polar, at codon 281 of the EGFR protein (p.Pro281Ser).